The following is an entry in ClinVar:

NM_001042492.3(NF1):c.2410-1G>T

Gene: NF1 (neurofibromin 1; plus strand). Cytogenetic location: 17q11.2.
Variant type: single nucleotide variant.
Coding change: c.2410-1G>T on transcript NM_001042492.3 (MANE Select); the canonical splice acceptor site of the intron before coding-DNA position 2410, G replaced by T.
Molecular consequence: splice acceptor variant.
Genome position (GRCh38, 1-based): chr17:31,229,024, G>T. VCF-style: chr17-31229024-G-T. GRCh37 (hg19) VCF-style: chr17-29556042-G-T.
Other names: c.2410-1G>T (NM_000267.4).
Identifiers: ClinVar variation 2840517 (VCV002840517.3), dbSNP rs1057518792, ClinGen allele CA398983794.

ClinVar aggregate classification (germline): Pathogenic (1 of 4 stars; one submission).

Conditions:
Neurofibromatosis, type 1 (NF1). Also called: Neurofibromatosis, type I; VON RECKLINGHAUSEN DISEASE; NEUROFIBROMATOSIS, TYPE I, SOMATIC; Peripheral type neurofibromatosis. Identifiers: Orphanet 636, MedGen C0027831, MONDO:0018975, OMIM 162200. Disease mechanism: loss of function.

Submission:

Labcorp Genetics (formerly Invitae), Labcorp
Classification: Pathogenic for Neurofibromatosis, type 1. Last evaluated: 2025-01-06. Review status: criteria provided, single submitter. Criteria: Invitae Variant Classification Sherloc (09022015). Collection method: clinical testing. Allele origin: germline.
Comment: This sequence change affects an acceptor splice site in intron 20 of the NF1 gene. It is expected to disrupt RNA splicing. Variants that disrupt the donor or acceptor splice site typically lead to a loss of protein function (PMID: 16199547), and loss-of-function variants in NF1 are known to be pathogenic (PMID: 10712197, 23913538). This variant is not present in population databases (gnomAD no frequency). Disruption of this splice site has been observed in individual(s) with clinical features of neurofibromatosis type 1 (PMID: 10543400, 23913538, 33443663; internal data). ClinVar contains an entry for this variant (Variation ID: 2840517). Algorithms developed to predict the effect of sequence changes on RNA splicing suggest that this variant may disrupt the consensus splice site. For these reasons, this variant has been classified as Pathogenic.

Literature cited by the submitters: PubMed 16199547; PubMed 10712197; PubMed 23913538; PubMed 10543400; PubMed 33443663.